The following is an entry in ClinVar:

ClinVar aggregate classification (germline): Uncertain significance (1 of 4 stars; one submission).

Conditions:
Mowat-Wilson syndrome (MOWS). Also called: Classic Mowat-Wilson Syndrome. Identifiers: Orphanet 2152, MedGen C1856113, MONDO:0009341, OMIM 235730.

gnomAD v4.1: 1 of 1,613,792 alleles (0.000062%); highest among the groups gnomAD compares: Non-Finnish European, 0.000085%; no homozygotes.

Submission:

Labcorp Genetics (formerly Invitae), Labcorp
Classification: Uncertain significance for Mowat-Wilson syndrome. Last evaluated: 2024-03-22. Review status: criteria provided, single submitter. Criteria: Invitae Variant Classification Sherloc (09022015). Collection method: clinical testing. Allele origin: germline.
Comment: This sequence change replaces alanine, which is neutral and non-polar, with serine, which is neutral and polar, at codon 138 of the ZEB2 protein (p.Ala138Ser). This variant is not present in population databases (gnomAD no frequency). This variant has not been reported in the literature in individuals affected with ZEB2-related conditions. An algorithm developed to predict the effect of missense changes on protein structure and function (PolyPhen-2) suggests that this variant is likely to be tolerated. In summary, the available evidence is currently insufficient to determine the role of this variant in disease. Therefore, it has been classified as a Variant of Uncertain Significance.

NM_014795.4(ZEB2):c.412G>T (p.Ala138Ser)

Gene: ZEB2 (zinc finger E-box binding homeobox 2; minus strand). Cytogenetic location: 2q22.3.
Variant type: single nucleotide variant.
Coding change: c.412G>T on transcript NM_014795.4 (MANE Select); coding-DNA position 412, G replaced by T.
Protein change: p.Ala138Ser; replaces alanine 138 with serine.
Molecular consequence: missense variant.
Genome position (GRCh38, 1-based): chr2:144,405,016, C>A on the plus strand (G>T on the coding strand, the complement: ZEB2 is on the minus strand). VCF-style: chr2-144405016-C-A. GRCh37 (hg19) VCF-style: chr2-145162583-C-A.
Other names: c.340G>T, p.Ala114Ser (NM_001171653.2); short protein forms A114S, A138S.
Identifiers: ClinVar variation 3646072 (VCV003646072.2).
Genomic context (GRCh38, chr2:144,405,016, plus strand): 5'-CATCGCGTTCCTCCAGTTTTCTTTTGGCAAAGTATTCCTCAAAATCTGATGTGCAATTTG[C>A]ATTCTTCACTGAAATCATAAAAGGAGAAGAAATGTTGTTTCCGGGCCTTCTTCCTAGGAT-3'
Protein context (NP_055610.1, residues 128-148): TAINNGTVKN[Ala138Ser]NCTSDFEEYF